The following is an entry in ClinVar:

NM_016729.3(FOLR1):c.321C>A (p.Tyr107Ter)

Genes: FOLR1 (folate receptor alpha; plus strand), FOLR1-AS1 (FOLR1 antisense RNA 1; minus strand). Cytogenetic location: 11q13.4.
Variant type: single nucleotide variant.
Coding change: c.321C>A on transcript NM_016729.3 (MANE Select); coding-DNA position 321, C replaced by A.
Protein change: p.Tyr107Ter; replaces tyrosine 107 with a stop codon.
Molecular consequence: nonsense.
Genome position (GRCh38, 1-based): chr11:72,195,423, C>A. VCF-style: chr11-72195423-C-A. GRCh37 (hg19) VCF-style: chr11-71906467-C-A.
Other names: c.321C>A, p.Tyr107Ter (NM_000802.3, NM_016724.3, NM_016725.3 and 1 more transcripts); short protein forms Y107*.
Identifiers: ClinVar variation 2024511 (VCV002024511.4), dbSNP rs145674759, ClinGen allele CA224404650.

ClinVar aggregate classification (germline): Pathogenic (1 of 4 stars; one submission).

Conditions:
Cerebral folate transport deficiency. Also called: Cerebral folate deficiency syndrome; FOLR1-Related Cerebral Folate Transport Deficiency; NEURODEGENERATION DUE TO CEREBRAL FOLATE TRANSPORT DEFICIENCY; Neurodegenerative syndrome due to cerebral folate transport deficiency; FOLATE RECEPTOR DEFICIENCY. Identifiers: Orphanet 217382, MedGen C2751584, MONDO:0013110, OMIM 613068. Disease mechanism: loss of function.

gnomAD v4.1: 20 of 1,614,136 alleles (0.0012%); highest among the groups gnomAD compares: Non-Finnish European, 0.0017%; no homozygotes.

Submission:

Labcorp Genetics (formerly Invitae), Labcorp
Classification: Pathogenic for Cerebral folate transport deficiency. Last evaluated: 2024-03-02. Review status: criteria provided, single submitter. Criteria: Invitae Variant Classification Sherloc (09022015). Collection method: clinical testing. Allele origin: germline.
Comment: This sequence change creates a premature translational stop signal (p.Tyr107*) in the FOLR1 gene. It is expected to result in an absent or disrupted protein product. Loss-of-function variants in FOLR1 are known to be pathogenic (PMID: 19732866, 22586289). This variant is present in population databases (no rsID available, gnomAD 0.007%). This variant has not been reported in the literature in individuals affected with FOLR1-related conditions. ClinVar contains an entry for this variant (Variation ID: 2024511). For these reasons, this variant has been classified as Pathogenic.

Literature cited by the submitters: PubMed 19732866; PubMed 22586289.